The following is an entry in ClinVar:

ClinVar aggregate classification (germline): Pathogenic (1 of 4 stars; one submission).

Conditions:
Reticular dysgenesis. Also called: HEMATOPOIETIC HYPOPLASIA, GENERALIZED; RETICULAR DYSGENESIA; SEVERE COMBINED IMMUNODEFICIENCY WITH LEUKOPENIA; DeVaal disease; ALEUKOCYTOSIS; CONGENITAL ALEUKIA. Identifiers: Orphanet 33355, MedGen C0272167, MONDO:0009973, OMIM 267500.

Submission:

Labcorp Genetics (formerly Invitae), Labcorp
Classification: Pathogenic for Reticular dysgenesis. Last evaluated: 2023-06-15. Review status: criteria provided, single submitter. Criteria: Invitae Variant Classification Sherloc (09022015). Collection method: clinical testing. Allele origin: unknown.
Comment: For these reasons, this variant has been classified as Pathogenic. This variant has not been reported in the literature in individuals affected with AK2-related conditions. This variant is a gross deletion of the genomic region encompassing exon(s) 5 of the AK2 gene. This deletion is out-of-frame, and is expected to create a premature termination codon and result in an absent or disrupted protein product. Loss-of-function variants in AK2 are known to be pathogenic (PMID: 19043416, 19043417, 19414857).

Literature cited by the submitters: PubMed 19043416; PubMed 19043417; PubMed 19414857.

NC_000001.10:g.(?_33480103)_(33480215_?)del

Gene: AK2 (adenylate kinase 2; minus strand). Cytogenetic location: 1p35.1.
Variant type: Deletion.
Identifiers: ClinVar variation 3247681 (VCV003247681.1).